The following is an entry in ClinVar:

ClinVar aggregate classification (germline): Conflicting classifications of pathogenicity. Review status: criteria provided, conflicting classifications (1 of 4 stars). 9 submissions from 9 submitters: Uncertain significance (2); Likely benign (5). 2 of the submissions do not count toward it. Last evaluated 2026-01-28.

Conditions:
Cardiovascular phenotype. Identifiers: MedGen CN230736.
Sitosterolemia (STSL). Also called: PHYTOSTEROLEMIA. Identifiers: Orphanet 2882, MedGen C0342907, MONDO:0008863.
Sitosterolemia 1. Identifiers: MedGen C2749759, MONDO:0020747, OMIM 210250.

Allele frequency attached by ClinVar (database versions not stated): ESP Exome Variant Server 0.00031; ExAC 0.00035; gnomAD 0.00038; TOPMed 0.00045; 1000 Genomes Project 30x 0.00047; 1000 Genomes Project 0.00040.
gnomAD v4.1: 346 of 1,614,088 alleles (0.021%); highest among the groups gnomAD compares: Middle Eastern, 0.12%; 1 homozygote.

Submissions (9):

Labcorp Genetics (formerly Invitae), Labcorp
Classification: Likely benign for Sitosterolemia. Last evaluated: 2026-01-28. Review status: criteria provided, single submitter. Criteria: Invitae Variant Classification Sherloc (09022015). Collection method: clinical testing. Allele origin: germline.

CeGaT Center for Human Genetics Tuebingen
Classification: Likely benign. Last evaluated: 2025-09-01. Review status: criteria provided, single submitter. Criteria: CeGaT Center For Human Genetics Tuebingen Variant Classification Criteria Version 2. Collection method: clinical testing. Allele origin: germline. Affected: yes. Observed: 1 variant allele.
Comment: ABCG5: BP4, BP7

Blueprint Genetics
Classification: Likely benign. Last evaluated: 2024-11-11. Review status: criteria provided, single submitter. Criteria: ACMG Guidelines, 2015. Collection method: clinical testing. Allele origin: germline.

Ambry Genetics
Classification: Likely benign for Cardiovascular phenotype. Last evaluated: 2022-03-03. Review status: criteria provided, single submitter. Criteria: Ambry Variant Classification Scheme 2023. Collection method: clinical testing. Allele origin: germline.

GeneDx
Classification: Likely benign. Last evaluated: 2020-02-24. Review status: criteria provided, single submitter. Criteria: GeneDx Variant Classification Process June 2021. Collection method: clinical testing. Allele origin: germline. Affected: yes.

Illumina Laboratory Services, Illumina
Classification: Uncertain significance for Sitosterolemia 1. Last evaluated: 2018-01-13. Review status: criteria provided, single submitter. Criteria: ICSL Variant Classification Criteria 13 December 2019. Collection method: clinical testing. Allele origin: germline.

Eurofins Ntd Llc (ga)
Classification: Uncertain significance. Last evaluated: 2017-06-29. Review status: criteria provided, single submitter. Criteria: EGL Classification Definitions 2015. Collection method: clinical testing. Allele origin: germline. Observed: 4 variant alleles, 4 heterozygotes.

Clinical Genetics, Academic Medical Center
Classification: Benign. Review status: no assertion criteria provided. Collection method: clinical testing. Allele origin: germline. Affected: yes. Study: VKGL Data-share Consensus. Not counted in ClinVar's aggregate classification.

Genome Diagnostics Laboratory, University Medical Center Utrecht
Classification: Likely benign. Review status: no assertion criteria provided. Collection method: clinical testing. Allele origin: germline. Affected: yes. Study: VKGL Data-share Consensus. Not counted in ClinVar's aggregate classification.

NM_022436.3(ABCG5):c.1365C>T (p.Asp455=)

Genes: ABCG5 (ATP binding cassette subfamily G member 5; minus strand), DYNC2LI1 (dynein cytoplasmic 2 light intermediate chain 1; plus strand). Cytogenetic location: 2p21.
Variant type: single nucleotide variant.
Coding change: c.1365C>T on transcript NM_022436.3 (MANE Select); coding-DNA position 1365, C replaced by T.
Protein change: p.Asp455=; no amino-acid change (aspartic acid 455 retained).
Molecular consequence: synonymous variant. On other transcripts: intron variant (2).
Genome position (GRCh38, 1-based): chr2:43,822,895, G>A on the plus strand (C>T on the coding strand, the complement: ABCG5 is on the minus strand). VCF-style: chr2-43822895-G-A. GRCh37 (hg19) VCF-style: chr2-44050034-G-A.
Other names: c.*16-4491G>A (NM_001348913.2, NM_001348912.2).
Identifiers: ClinVar variation 336039 (VCV000336039.34), dbSNP rs141016088, ClinGen allele CA1636294.